The following is an entry in ClinVar:

ClinVar aggregate classification (germline): Uncertain significance (1 of 4 stars; one submission).

Submission:

GeneDx
Classification: Uncertain significance. Last evaluated: 2024-07-31. Review status: criteria provided, single submitter. Criteria: GeneDx Variant Classification Process June 2021. Collection method: clinical testing. Allele origin: germline. Affected: yes.
Comment: Not observed at significant frequency in large population cohorts (gnomAD); In silico analysis supports that this missense variant has a deleterious effect on protein structure/function; Has not been previously published as pathogenic or benign to our knowledge

NM_016239.4(MYO15A):c.5729A>G (p.Gln1910Arg)

Gene: MYO15A (myosin XVA; plus strand). Cytogenetic location: 17p11.2.
Variant type: single nucleotide variant.
Coding change: c.5729A>G on transcript NM_016239.4 (MANE Select); coding-DNA position 5729, A replaced by G.
Protein change: p.Gln1910Arg; replaces glutamine 1910 with arginine.
Molecular consequence: missense variant.
Genome position (GRCh38, 1-based): chr17:18,142,158, A>G. VCF-style: chr17-18142158-A-G. GRCh37 (hg19) VCF-style: chr17-18045472-A-G.
Other names: short protein forms Q1910R.
Identifiers: ClinVar variation 3602414 (VCV003602414.1).